The following is an entry in ClinVar:

ClinVar aggregate classification (germline): Uncertain significance (1 of 4 stars; one submission).

gnomAD v4.1: 1 of 1,614,178 alleles (0.000062%); highest among the groups gnomAD compares: Non-Finnish European, 0.000085%; no homozygotes.

Submission:

Dasa
Classification: Uncertain significance. Last evaluated: 2025-12-19. Review status: criteria provided, single submitter. Criteria: DASA Assertion Criteria. Collection method: clinical testing. Allele origin: germline.
Comment: NM_000092.5(COL4A4):c.4156G>A (p.Gly1386Ser) is a missense variant that results in the substitution of glycine with serine. This variant is rare in population databases. Computational prediction algorithms are consistent with a deleterious effect. The currently available literature and clinical evidence are not sufficient to establish a definitive association between this variant and the reported condition. Therefore, this variant is classified as a variant of uncertain significance.

NM_000092.5(COL4A4):c.4156G>A (p.Gly1386Ser)

Gene: COL4A4 (collagen type IV alpha 4 chain; minus strand). Cytogenetic location: 2q36.3.
Variant type: single nucleotide variant.
Coding change: c.4156G>A on transcript NM_000092.5 (MANE Select); coding-DNA position 4156, G replaced by A.
Protein change: p.Gly1386Ser; replaces glycine 1386 with serine.
Molecular consequence: missense variant.
Genome position (GRCh38, 1-based): chr2:227,022,108, C>T on the plus strand (G>A on the coding strand, the complement: COL4A4 is on the minus strand). VCF-style: chr2-227022108-C-T. GRCh37 (hg19) VCF-style: chr2-227886824-C-T.
Other names: short protein forms G1386S.
Identifiers: ClinVar variation 5020759 (VCV005020759.1).